The following is an entry in ClinVar:

ClinVar aggregate classification (germline): Uncertain significance (1 of 4 stars; one submission).

Conditions:
Autosomal recessive limb-girdle muscular dystrophy type 2W (MDRCMTT). Also called: Muscular dystrophy, limb-girdle, type 2W; Muscular dystrophy, autosomal recessive, with cardiomyopathy and triangular tongue. Identifiers: MedGen C4225192, MONDO:0014788, OMIM 616827.

gnomAD v4.1: 15 of 1,610,260 alleles (0.00093%); highest among the groups gnomAD compares: East Asian, 0.027%; no homozygotes.

Submission:

Labcorp Genetics (formerly Invitae), Labcorp
Classification: Uncertain significance for Autosomal recessive limb-girdle muscular dystrophy type 2W. Last evaluated: 2024-07-24. Review status: criteria provided, single submitter. Criteria: Invitae Variant Classification Sherloc (09022015). Collection method: clinical testing. Allele origin: germline.
Comment: This sequence change replaces valine, which is neutral and non-polar, with alanine, which is neutral and non-polar, at codon 231 of the LIMS2 protein (p.Val231Ala). This variant is present in population databases (rs759090074, gnomAD 0.07%), and has an allele count higher than expected for a pathogenic variant. This variant has not been reported in the literature in individuals affected with LIMS2-related conditions. Advanced modeling of protein sequence and biophysical properties (such as structural, functional, and spatial information, amino acid conservation, physicochemical variation, residue mobility, and thermodynamic stability) performed at Invitae indicates that this missense variant is not expected to disrupt LIMS2 protein function with a negative predictive value of 80%. In summary, the available evidence is currently insufficient to determine the role of this variant in disease. Therefore, it has been classified as a Variant of Uncertain Significance.

NM_001161403.3(LIMS2):c.626T>C (p.Val209Ala)

Gene: LIMS2 (LIM zinc finger domain containing 2; minus strand). Cytogenetic location: 2q14.3.
Variant type: single nucleotide variant.
Coding change: c.626T>C on transcript NM_001161403.3 (MANE Select); coding-DNA position 626, T replaced by C.
Protein change: p.Val209Ala; replaces valine 209 with alanine.
Molecular consequence: missense variant.
Genome position (GRCh38, 1-based): chr2:127,642,083, A>G on the plus strand (T>C on the coding strand, the complement: LIMS2 is on the minus strand). VCF-style: chr2-127642083-A-G. GRCh37 (hg19) VCF-style: chr2-128399658-A-G.
Other names: c.692T>C, p.Val231Ala (NM_001136037.4); c.611T>C, p.Val204Ala (NM_001161404.2); c.170T>C, p.Val57Ala (NM_001256542.2); c.698T>C, p.Val233Ala (NM_017980.5); short protein forms V231A, V233A, V57A, V204A, V209A.
Identifiers: ClinVar variation 3673201 (VCV003673201.2).
Genomic context (GRCh38, chr2:127,642,083, plus strand): 5'-GCCACGTGTCCACCAGCCTGGCTCACCTCCACGTGCCACTGCTTGCCCAGCGCGTTGACC[A>G]CTCGGCCCTCGATGGGCCGGCGGCAGGCCCCGCAGATGGGGACGCCCATCTTGTCATGGC-3'
Protein context (NP_001154875.1, residues 199-219): GACRRPIEGR[Val209Ala]VNALGKQWHV